The following is an entry in ClinVar:

ClinVar aggregate classification (germline): Likely benign (1 of 4 stars; one submission).

Allele frequency attached by ClinVar (database versions not stated): gnomAD exomes below 0.00001; ExAC 0.00002.
gnomAD v4.1: 5 of 1,614,106 alleles (0.00031%); highest among the groups gnomAD compares: South Asian, 0.0044%; no homozygotes.

Submission:

CeGaT Center for Human Genetics Tuebingen
Classification: Likely benign. Last evaluated: 2022-05-01. Review status: criteria provided, single submitter. Criteria: CeGaT Center For Human Genetics Tuebingen Variant Classification Criteria Version 2. Collection method: clinical testing. Allele origin: germline. Affected: yes. Observed: 1 variant allele.
Comment: ZFHX3: BP4, BP7

NM_006885.4(ZFHX3):c.6417C>T (p.Thr2139=)

Genes: ZFHX3 (zinc finger homeobox 3; minus strand), ZFHX3-AS1 (ZFHX3 antisense RNA 1; plus strand). Cytogenetic location: 16q22.2.
Variant type: single nucleotide variant.
Coding change: c.6417C>T on transcript NM_006885.4 (MANE Select); coding-DNA position 6417, C replaced by T.
Protein change: p.Thr2139=; no amino-acid change (threonine 2139 retained).
Molecular consequence: synonymous variant.
Genome position (GRCh38, 1-based): chr16:72,796,265, G>A on the plus strand (C>T on the coding strand, the complement: ZFHX3 is on the minus strand). VCF-style: chr16-72796265-G-A. GRCh37 (hg19) VCF-style: chr16-72830164-G-A.
Other names: c.3675C>T, p.Thr1225= (NM_001164766.2); c.6417C>T, p.Thr2139= (NM_001386735.1).
Identifiers: ClinVar variation 2646827 (VCV002646827.24), dbSNP rs767191418, ClinGen allele CA8163391.